The following is an entry in ClinVar:

NM_000051.4(ATM):c.7628dup (p.Asn2543fs)

Genes: ATM (ATM serine/threonine kinase; plus strand), C11orf65 (chromosome 11 open reading frame 65; minus strand). Cytogenetic location: 11q22.3.
Variant type: Duplication.
Coding change: c.7628dup on transcript NM_000051.4 (MANE Select); coding-DNA position 7628, one base duplicated (A; older notation c.7628dupA).
Protein change: p.Asn2543fs; shifts the reading frame from asparagine 2543.
Molecular consequence: frameshift variant. On other transcripts: non-coding transcript variant (1), intron variant (2).
Genome position (GRCh38, 1-based): chr11:108,331,556, A duplicated; the last of 2 consecutive A bases (chr11:108,331,555-108,331,556); duplicating either gives the same sequence. VCF-style (leftmost placement, unchanged base first): chr11-108331554-T-TA. GRCh37 (hg19) VCF-style: chr11-108202281-T-TA.
Other names: c.7628dup, p.Asn2543fs (NM_001351834.2); c.641-22484dup (NM_001330368.2); c.*38+3665dup (NM_001351110.2); short protein forms N2543fs.
Identifiers: ClinVar variation 4806906 (VCV004806906.1).

ClinVar aggregate classification (germline): Pathogenic (1 of 4 stars; one submission).

Conditions:
Ataxia-telangiectasia syndrome (AT). Also called: LOUIS-BAR SYNDROME; Cerebello-oculocutaneous telangiectasia; Immunodeficiency with ataxia telangiectasia; Ataxia-telangiectasia, complementation group D; AT, COMPLEMENTATION GROUP C; ATAXIA-TELANGIECTASIA, COMPLEMENTATION GROUP A. Identifiers: Orphanet 100, MedGen C0004135, MONDO:0008840, OMIM 208900.

Submission:

Labcorp Genetics (formerly Invitae), Labcorp
Classification: Pathogenic for Ataxia-telangiectasia syndrome. Last evaluated: 2025-06-14. Review status: criteria provided, single submitter. Criteria: Invitae Variant Classification Sherloc (09022015). Collection method: clinical testing. Allele origin: germline.
Comment: This sequence change creates a premature translational stop signal (p.Asn2543Lysfs*5) in the ATM gene. It is expected to result in an absent or disrupted protein product. Loss-of-function variants in ATM are known to be pathogenic (PMID: 23807571, 25614872). This variant is not present in population databases (gnomAD no frequency). This variant has not been reported in the literature in individuals affected with ATM-related conditions. For these reasons, this variant has been classified as Pathogenic.

Literature cited by the submitters: PubMed 23807571; PubMed 25614872.